The following is an entry in ClinVar:

ClinVar aggregate classification (germline): Uncertain significance. Review status: criteria provided, multiple submitters, no conflicts (2 of 4 stars). 2 submissions from 2 submitters: Uncertain significance (2). Last evaluated 2025-05-05.

Conditions:
Rothmund-Thomson syndrome type 2 (RTS2). Identifiers: Orphanet 221016, MedGen C5203410, MONDO:0016369, OMIM 268400.
Baller-Gerold syndrome (BGS). Also called: CRANIOSYNOSTOSIS WITH RADIAL DEFECTS. Identifiers: Orphanet 1225, MedGen C0265308, MONDO:0009039, OMIM 218600.

Allele frequency attached by ClinVar (database versions not stated): gnomAD exomes 0.00001 and 0.00002; ExAC 0.00004.
gnomAD v4.1: 7 of 1,610,096 alleles (0.00043%); highest among the groups gnomAD compares: Admixed American, 0.012%; no homozygotes.

Submissions (2):

Labcorp Genetics (formerly Invitae), Labcorp
Classification: Uncertain significance for Baller-Gerold syndrome. Last evaluated: 2025-05-05. Review status: criteria provided, single submitter. Criteria: Invitae Variant Classification Sherloc (09022015). Collection method: clinical testing. Allele origin: germline.
Comment: This sequence change replaces leucine, which is neutral and non-polar, with glutamine, which is neutral and polar, at codon 179 of the RECQL4 protein (p.Leu179Gln). This variant is present in population databases (rs753361853, gnomAD 0.02%). This variant has not been reported in the literature in individuals affected with RECQL4-related conditions. ClinVar contains an entry for this variant (Variation ID: 847929). Invitae Evidence Modeling of protein sequence and biophysical properties (such as structural, functional, and spatial information, amino acid conservation, physicochemical variation, residue mobility, and thermodynamic stability) has been performed for this missense variant. However, the output from this modeling did not meet the statistical confidence thresholds required to predict the impact of this variant on RECQL4 protein function. In summary, the available evidence is currently insufficient to determine the role of this variant in disease. Therefore, it has been classified as a Variant of Uncertain Significance.

Baylor Genetics
Classification: Uncertain significance for Rothmund-Thomson syndrome type 2. Last evaluated: 2021-10-07. Review status: criteria provided, single submitter. Criteria: ACMG Guidelines, 2015. Collection method: clinical testing. Allele origin: unknown. Affected: yes. Study: CSER-TexasKidsCanSeq.
Comment: This variant was determined to be of uncertain significance according to ACMG Guidelines, 2015 [PMID:25741868].

NM_004260.4(RECQL4):c.536T>A (p.Leu179Gln)

Gene: RECQL4 (RecQ like helicase 4; minus strand). Cytogenetic location: 8q24.3.
Variant type: single nucleotide variant.
Coding change: c.536T>A on transcript NM_004260.4 (MANE Select); coding-DNA position 536, T replaced by A.
Protein change: p.Leu179Gln; replaces leucine 179 with glutamine.
Molecular consequence: missense variant.
Genome position (GRCh38, 1-based): chr8:144,516,583, A>T on the plus strand (T>A on the coding strand, the complement: RECQL4 is on the minus strand). VCF-style: chr8-144516583-A-T. GRCh37 (hg19) VCF-style: chr8-145741967-A-T.
Other names: short protein forms L179Q.
Identifiers: ClinVar variation 847929 (VCV000847929.8), dbSNP rs753361853, ClinGen allele CA4949258.